The following is an entry in ClinVar:

NM_130837.3(OPA1):c.1936-10_1943dup

Gene: OPA1 (OPA1 mitochondrial dynamin like GTPase; plus strand). Cytogenetic location: 3q29.
Variant type: Duplication.
Coding change: c.1936-10_1943dup on transcript NM_130837.3 (MANE Select); 10 bases into the intron before coding-DNA position 1936 through coding-DNA position 1943, 18 bases duplicated (TATTGCCTAGAATGAACT).
Molecular consequence: splice acceptor variant.
Genome position (GRCh38, 1-based): chr3:193,648,785-193,648,802, TATTGCCTAGAATGAACT duplicated. VCF-style (leftmost placement, unchanged base first): chr3-193648784-A-ATATTGCCTAGAATGAACT. GRCh37 (hg19) VCF-style: chr3-193366573-A-ATATTGCCTAGAATGAACT.
Other names: c.1399-10_1406dup (NM_001354664.2); c.1402-10_1409dup (NM_001354663.2); c.1825-10_1832dup (NM_130834.3); c.1882-10_1889dup (NM_130836.3); c.1771-10_1778dup (NM_015560.3); c.1828-10_1835dup (NM_130835.3); c.1717-10_1724dup (NM_130832.3); c.1774-10_1781dup (NM_130833.3); and 1 more.
Identifiers: ClinVar variation 1945913 (VCV001945913.5), dbSNP rs2474942449, ClinGen allele CA2580070546.

ClinVar aggregate classification (germline): Uncertain significance (1 of 4 stars; one submission).

Submission:

Labcorp Genetics (formerly Invitae), Labcorp
Classification: Uncertain significance. Last evaluated: 2022-08-23. Review status: criteria provided, single submitter. Criteria: Invitae Variant Classification Sherloc (09022015). Collection method: clinical testing. Allele origin: germline.
Comment: This sequence change falls in intron 18 of the OPA1 gene. It does not directly change the encoded amino acid sequence of the OPA1 protein. This variant is not present in population databases (gnomAD no frequency). This variant has been observed in individual(s) with OPA1-related conditions (Invitae). This variant is also known as p.Phe594_Lys960delinsIleAla. Algorithms developed to predict the effect of sequence changes on RNA splicing suggest that this variant may disrupt the consensus splice site. In summary, the available evidence is currently insufficient to determine the role of this variant in disease. Therefore, it has been classified as a Variant of Uncertain Significance.